The following is an entry in ClinVar:

ClinVar aggregate classification (germline): Likely pathogenic (1 of 4 stars; one submission).

Conditions:
Johanson-Blizzard syndrome (JBS). Also called: Nasal alar hypoplasia, hypothyroidism, pancreatic achylia and congenital deafness. Identifiers: Orphanet 2315, MedGen C0175692, MONDO:0009479, OMIM 243800.

Submission:

Lifecell International Pvt. Ltd
Classification: Likely pathogenic for Johanson-Blizzard syndrome. Review status: criteria provided, single submitter. Criteria: ACMG Guidelines, 2015. Collection method: clinical testing. Allele origin: germline. Inheritance: Autosomal recessive inheritance. Affected: yes. Observed: 1 homozygote.
Comment: A Homozygote Frameshift variant c.4745delA in Exon 43 of the UBR1 gene that results in the amino acid substitution p.Asn1582fs*13 was identified. The observed variant is novel in gnomAD exomes and genomes. The severity of the impact of this variant on the protein is high, based on the effect of the protein and REVEL score . Rare Exome Variant Ensemble Learner (REVEL) is an ensembl method for predicting the pathogenicity of missense variants based on a combination of scores from 13 individual tools: MutPred, FATHMM v2.3, VEST 3.0, PolyPhen-2, SIFT, PROVEAN, MutationAssessor, MutationTaster, LRT, GERP++, SiPhy, phyloP, and phastCons. The REVEL score for an individual missense variant can range from 0 to 1, with higher scores reflecting greater likelihood that the variant is disease-causing. For these reasons this variant has been classified as Likely Pathogenic.

NM_174916.3(UBR1):c.4745del (p.Asn1582fs)

Gene: UBR1 (ubiquitin protein ligase E3 component n-recognin 1; minus strand). Cytogenetic location: 15q15.2.
Variant type: Deletion.
Coding change: c.4745del on transcript NM_174916.3 (MANE Select); coding-DNA position 4745, one base deleted (A; older notation c.4745delA).
Protein change: p.Asn1582fs; shifts the reading frame from asparagine 1582.
Molecular consequence: frameshift variant.
Genome position (GRCh38, 1-based): chr15:42,960,657, T deleted on the plus strand (A on the coding strand, the reverse complement: UBR1 is on the minus strand); the first of 7 consecutive T bases (chr15:42,960,657-42,960,663); deleting any one gives the same sequence. VCF-style (leftmost placement, unchanged base first): chr15-42960656-GT-G. GRCh37 (hg19) VCF-style: chr15-43252854-GT-G.
Other names: c.4745delA (NM_174916.3); short protein forms N1582fs.
Identifiers: ClinVar variation 2502313 (VCV002502313.1), dbSNP rs1873545198, ClinGen allele CA645570245.